The following is an entry in ClinVar:

ClinVar aggregate classification (germline): Likely benign. Review status: criteria provided, multiple submitters, no conflicts (2 of 4 stars). 3 submissions from 3 submitters: Likely benign (2). 1 of the submissions does not count toward it. Last evaluated 2025-09-30.

Conditions:
ESPN-related disorder. Also called: ESPN-related condition.

Allele frequency attached by ClinVar (database versions not stated): gnomAD 0.00001; ExAC 0.00002; gnomAD exomes 0.00002 and 0.00003; TOPMed 0.00002.
gnomAD v4.1: 41 of 1,614,110 alleles (0.0025%); highest among the groups gnomAD compares: Admixed American, 0.0083%; no homozygotes.

Submissions (3):

Labcorp Genetics (formerly Invitae), Labcorp
Classification: Likely benign. Last evaluated: 2025-09-30. Review status: criteria provided, single submitter. Criteria: Invitae Variant Classification Sherloc (09022015). Collection method: clinical testing. Allele origin: germline.

CeGaT Center for Human Genetics Tuebingen
Classification: Likely benign. Last evaluated: 2020-07-01. Review status: criteria provided, single submitter. Criteria: CeGaT Center For Human Genetics Tuebingen Variant Classification Criteria Version 2. Collection method: clinical testing. Allele origin: germline. Affected: yes. Observed: 1 variant allele.

PreventionGenetics, part of Exact Sciences
Classification: Likely benign for ESPN-related condition. Last evaluated: 2019-05-31. Review status: no assertion criteria provided. Collection method: clinical testing. Allele origin: germline. Not counted in ClinVar's aggregate classification.
Comment: This variant is classified as likely benign based on ACMG/AMP sequence variant interpretation guidelines (Richards et al. 2015 PMID: 25741868, with internal and published modifications).

NM_031475.3(ESPN):c.1026C>T (p.Ser342=)

Gene: ESPN (espin; plus strand). Cytogenetic location: 1p36.31.
Variant type: single nucleotide variant.
Coding change: c.1026C>T on transcript NM_031475.3 (MANE Select); coding-DNA position 1026, C replaced by T.
Protein change: p.Ser342=; no amino-acid change (serine 342 retained).
Molecular consequence: synonymous variant.
Genome position (GRCh38, 1-based): chr1:6,444,516, C>T. VCF-style: chr1-6444516-C-T. GRCh37 (hg19) VCF-style: chr1-6504576-C-T.
Other names: c.1026C>T, p.Ser342= (NM_001367473.1, NM_001367474.1); c.1026C>T (NM_031475.2).
Identifiers: ClinVar variation 1012721 (VCV001012721.42), dbSNP rs753599663, ClinGen allele CA560087.